The following is an entry in ClinVar:

ClinVar aggregate classification (germline): Likely benign (0 of 4 stars; one submission).

Conditions:
ISCU-related disorder. Also called: ISCU-related condition.

Allele frequency attached by ClinVar (database versions not stated): TOPMed 0.00004; gnomAD 0.00005; 1000 Genomes Project 30x 0.00031; 1000 Genomes Project 0.00040; ExAC 0.00053.
gnomAD v4.1: 86 of 1,536,030 alleles (0.0056%); highest among the groups gnomAD compares: South Asian, 0.068%; no homozygotes.

Submission:

PreventionGenetics, part of Exact Sciences
Classification: Likely benign for ISCU-related condition. Last evaluated: 2019-11-12. Review status: no assertion criteria provided. Collection method: clinical testing. Allele origin: germline.
Comment: This variant is classified as likely benign based on ACMG/AMP sequence variant interpretation guidelines (Richards et al. 2015 PMID: 25741868, with internal and published modifications).

NM_213595.4(ISCU):c.418+409A>G

Gene: ISCU (iron-sulfur cluster assembly enzyme; plus strand). Cytogenetic location: 12q23.3.
Variant type: single nucleotide variant.
Coding change: c.418+409A>G on transcript NM_213595.4 (MANE Select); 409 bases into the intron after coding-DNA position 418, A replaced by G.
Molecular consequence: intron variant. On other transcripts: synonymous variant (2), non-coding transcript variant (1).
Genome position (GRCh38, 1-based): chr12:108,567,677, A>G. VCF-style: chr12-108567677-A-G. GRCh37 (hg19) VCF-style: chr12-108961453-A-G.
Other names: c.438A>G, p.Ala146= (NM_001301140.1, NM_001320042.1); c.343+409A>G (NM_014301.4); c.419-243A>G (NM_001301141.1).
Identifiers: ClinVar variation 3045500 (VCV003045500.2), dbSNP rs570357676, ClinGen allele CA6768868.